The following is an entry in ClinVar:

ClinVar aggregate classification (germline): Uncertain significance. Review status: criteria provided, multiple submitters, no conflicts (2 of 4 stars). 2 submissions from 2 submitters: Uncertain significance (2). Last evaluated 2024-05-12.

Conditions:
Periodic fever-infantile enterocolitis-autoinflammatory syndrome. Also called: Autoinflammation with infantile enterocolitis. Identifiers: Orphanet 436166, MedGen C4015067, MONDO:0014472, OMIM 616050.
Familial cold autoinflammatory syndrome 4 (FCAS4). Identifiers: Orphanet 47045, Orphanet 576349, MedGen C4015276, MONDO:0014498, OMIM 616115.
Inborn genetic diseases. Identifiers: MedGen C0950123, MeSH D030342.

Allele frequency attached by ClinVar (database versions not stated): gnomAD exomes 0.00001; ExAC 0.00002.
gnomAD v4.1: 3 of 1,614,174 alleles (0.00019%); highest among the groups gnomAD compares: Admixed American, 0.005%; no homozygotes.

Submissions (2):

Ambry Genetics
Classification: Uncertain significance for Inborn genetic diseases. Last evaluated: 2024-05-12. Review status: criteria provided, single submitter. Criteria: Ambry Variant Classification Scheme 2023. Collection method: clinical testing. Allele origin: germline.

Labcorp Genetics (formerly Invitae), Labcorp
Classification: Uncertain significance for Periodic fever-infantile enterocolitis-autoinflammatory syndrome; Familial cold autoinflammatory syndrome 4. Last evaluated: 2023-02-22. Review status: criteria provided, single submitter. Criteria: Invitae Variant Classification Sherloc (09022015). Collection method: clinical testing. Allele origin: germline.
Comment: Advanced modeling of protein sequence and biophysical properties (such as structural, functional, and spatial information, amino acid conservation, physicochemical variation, residue mobility, and thermodynamic stability) has been performed at Invitae for this missense variant, however the output from this modeling did not meet the statistical confidence thresholds required to predict the impact of this variant on NLRC4 protein function. This variant has not been reported in the literature in individuals affected with NLRC4-related conditions. This variant is present in population databases (rs773818828, gnomAD 0.009%). This sequence change replaces isoleucine, which is neutral and non-polar, with asparagine, which is neutral and polar, at codon 677 of the NLRC4 protein (p.Ile677Asn). In summary, the available evidence is currently insufficient to determine the role of this variant in disease. Therefore, it has been classified as a Variant of Uncertain Significance.

NM_001199138.2(NLRC4):c.2030T>A (p.Ile677Asn)

Gene: NLRC4 (NLR family CARD domain containing 4; minus strand). Cytogenetic location: 2p22.3.
Variant type: single nucleotide variant.
Coding change: c.2030T>A on transcript NM_001199138.2 (MANE Select); coding-DNA position 2030, T replaced by A.
Protein change: p.Ile677Asn; replaces isoleucine 677 with asparagine.
Molecular consequence: missense variant. On other transcripts: intron variant (1).
Genome position (GRCh38, 1-based): chr2:32,249,834, A>T on the plus strand (T>A on the coding strand, the complement: NLRC4 is on the minus strand). VCF-style: chr2-32249834-A-T. GRCh37 (hg19) VCF-style: chr2-32474903-A-T.
Other names: c.2030T>A, p.Ile677Asn (NM_001199139.2, NM_021209.5); c.262+2585T>A (NM_001302504.1); short protein forms I677N.
Identifiers: ClinVar variation 2923522 (VCV002923522.4), dbSNP rs773818828, ClinGen allele CA1601888.